The following is an entry in ClinVar:

NM_004525.3(LRP2):c.11406T>A (p.Tyr3802Ter)

Gene: LRP2 (LDL receptor related protein 2; minus strand). Cytogenetic location: 2q31.1.
Variant type: single nucleotide variant.
Coding change: c.11406T>A on transcript NM_004525.3 (MANE Select); coding-DNA position 11406, T replaced by A.
Protein change: p.Tyr3802Ter; replaces tyrosine 3802 with a stop codon.
Molecular consequence: nonsense.
Genome position (GRCh38, 1-based): chr2:169,169,793, A>T on the plus strand (T>A on the coding strand, the complement: LRP2 is on the minus strand). VCF-style: chr2-169169793-A-T. GRCh37 (hg19) VCF-style: chr2-170026303-A-T.
Other names: short protein forms Y3802*.
Identifiers: ClinVar variation 5014081 (VCV005014081.1).

ClinVar aggregate classification (germline): Pathogenic (1 of 4 stars; one submission).

Conditions:
Donnai-Barrow syndrome. Also called: DBS/FOAR SYNDROME; FACIOOCULOACOUSTICORENAL SYNDROME. Identifiers: Orphanet 2143, MedGen C1857277, MONDO:0009104, OMIM 222448.

Submission:

Myriad Genetics, Inc.
Classification: Pathogenic for Donnai-Barrow syndrome. Last evaluated: 2025-02-09. Review status: criteria provided, single submitter. Criteria: Myriad Autosomal Dominant, Autosomal Recessive and X-Linked Classification Criteria (2023). Collection method: clinical testing. Allele origin: unknown.
Comment: NM_004525.2(LRP2):c.11406T>A(Y3802*) is expected to be pathogenic in the context of Donnai-Barrow syndrome. This variant is predicted to lead to an abnormal or absent protein product due to the creation of a premature termination codon in LRP2, a gene where loss-of-function variants are known to be pathogenic. Please note: this variant was assessed in the context of healthy population screening.